The following is an entry in ClinVar:

ClinVar aggregate classification (germline): Benign. Review status: criteria provided, multiple submitters, no conflicts (2 of 4 stars). 9 submissions from 9 submitters: Benign (8). 1 of the submissions does not count toward it. Last evaluated 2026-02-04.

Conditions:
Maturity-onset diabetes of the young type 11. Identifiers: Orphanet 552, MedGen C3150618, MONDO:0013242, OMIM 613375.

Allele frequency attached by ClinVar (database versions not stated): gnomAD 0.81190 and 0.81361; ESP Exome Variant Server 0.81247; TOPMed 0.81622; 1000 Genomes Project 30x 0.82402; 1000 Genomes Project 0.82768; ExAC 0.83167; gnomAD exomes 0.83680 and 0.84164.
gnomAD v4.1: 1,354,658 of 1,614,022 alleles (84%); highest among the groups gnomAD compares: East Asian, 94%; 569,840 homozygotes.

Submissions (9):

Labcorp Genetics (formerly Invitae), Labcorp
Classification: Benign. Last evaluated: 2026-02-04. Review status: criteria provided, single submitter. Criteria: Invitae Variant Classification Sherloc (09022015). Collection method: clinical testing. Allele origin: germline.

Blueprint Genetics
Classification: Benign. Last evaluated: 2024-11-27. Review status: criteria provided, single submitter. Criteria: ACMG Guidelines, 2015. Collection method: clinical testing. Allele origin: germline.

Genome-Nilou Lab
Classification: Benign for Maturity-onset diabetes of the young type 11. Last evaluated: 2021-07-14. Review status: criteria provided, single submitter. Criteria: ACMG Guidelines, 2015. Collection method: clinical testing. Allele origin: germline. Affected: no.

Women's Health and Genetics/Laboratory Corporation of America, LabCorp
Classification: Benign. Last evaluated: 2021-07-08. Review status: criteria provided, single submitter. Criteria: LabCorp Variant Classification Summary - May 2015. Collection method: clinical testing. Allele origin: germline.

Illumina Laboratory Services, Illumina
Classification: Benign for Maturity-onset diabetes of the young type 11. Last evaluated: 2018-01-13. Review status: criteria provided, single submitter. Criteria: ICSL Variant Classification Criteria 13 December 2019. Collection method: clinical testing. Allele origin: germline.
Comment: This variant was observed in the ICSL laboratory as part of a predisposition screen in an ostensibly healthy population. It had not been previously curated by ICSL or reported in the Human Gene Mutation Database (HGMD: prior to June 1st, 2018), and was therefore a candidate for classification through an automated scoring system. Utilizing variant allele frequency, disease prevalence and penetrance estimates, and inheritance mode, an automated score was calculated to assess if this variant is too frequent to cause the disease. Based on the score and internal cut-off values, a variant classified as benign is not then subjected to further curation. The score for this variant resulted in a classification of benign for this disease.

GeneDx
Classification: Benign. Last evaluated: 2015-03-03. Review status: criteria provided, single submitter. Criteria: GeneDx Variant Classification Process June 2021. Collection method: clinical testing. Allele origin: germline. Affected: yes.

Breakthrough Genomics
Classification: Benign. Review status: criteria provided, single submitter. Criteria: ACMG Guidelines, 2015. Collection method: not provided. Allele origin: germline. Inheritance: Autosomal dominant inheritance. Affected: yes.

PreventionGenetics, part of Exact Sciences
Classification: Benign. Review status: criteria provided, single submitter. Criteria: ACMG Guidelines, 2015. Collection method: clinical testing. Allele origin: germline.

Genetic Services Laboratory, University of Chicago
Classification: Likely benign for AllHighlyPenetrant. Review status: no assertion criteria provided. Collection method: clinical testing. Allele origin: germline. Inheritance: Autosomal dominant inheritance. Not counted in ClinVar's aggregate classification.
Comment: Likely benign based on allele frequency in 1000 Genomes Project or ESP global frequency and its presence in a patient with a rare or unrelated disease phenotype. NOT Sanger confirmed.

NM_001715.3(BLK):c.843T>C (p.Phe281=)

Genes: BLK (BLK proto-oncogene, Src family tyrosine kinase), BLK-AS1 (BLK antisense RNA 1). Cytogenetic location: 8p23.1.
Variant type: single nucleotide variant.
Coding change: c.843T>C on transcript NM_001715.3 (MANE Select); coding-DNA position 843, T replaced by C.
Protein change: p.Phe281=; no amino-acid change (phenylalanine 281 retained).
Molecular consequence: synonymous variant.
Genome position (GRCh38, 1-based): chr8:11,556,728, T>C. VCF-style: chr8-11556728-T-C. GRCh37 (hg19) VCF-style: chr8-11414237-T-C.
Other names: c.630T>C, p.Phe210= (NM_001330465.2).
Identifiers: ClinVar variation 128529 (VCV000128529.25), dbSNP rs2306234, ClinGen allele CA152045.